The following is an entry in ClinVar:

ClinVar aggregate classification (germline): Conflicting classifications of pathogenicity. Review status: criteria provided, conflicting classifications (1 of 4 stars). 2 submissions from 2 submitters: Uncertain significance (1); Likely benign (1). Last evaluated 2025-07-21.

Conditions:
Hereditary cancer-predisposing syndrome. Also called: Hereditary neoplastic syndrome; Tumor predisposition; Neoplastic Syndromes, Hereditary; Hereditary Cancer Syndrome. Identifiers: Orphanet 140162, MedGen C0027672, MeSH D009386, MONDO:0015356.
Bloom syndrome (BLM). Also called: Bloom-Torre-Machacek syndrome. Identifiers: Orphanet 125, MedGen C0005859, MONDO:0008876, OMIM 210900.

gnomAD v4.1: 1 of 1,614,180 alleles (0.000062%); highest among the groups gnomAD compares: South Asian, 0.0011%; no homozygotes.

Submissions (2):

Labcorp Genetics (formerly Invitae), Labcorp
Classification: Uncertain significance for Bloom syndrome. Last evaluated: 2025-07-21. Review status: criteria provided, single submitter. Criteria: Invitae Variant Classification Sherloc (09022015). Collection method: clinical testing. Allele origin: germline.
Comment: This sequence change replaces glycine, which is neutral and non-polar, with aspartic acid, which is acidic and polar, at codon 1354 of the BLM protein (p.Gly1354Asp). This variant is not present in population databases (gnomAD no frequency). This variant has not been reported in the literature in individuals affected with BLM-related conditions. ClinVar contains an entry for this variant (Variation ID: 1504545). Invitae Evidence Modeling of protein sequence and biophysical properties (such as structural, functional, and spatial information, amino acid conservation, physicochemical variation, residue mobility, and thermodynamic stability) indicates that this missense variant is not expected to disrupt BLM protein function with a negative predictive value of 80%. In summary, the available evidence is currently insufficient to determine the role of this variant in disease. Therefore, it has been classified as a Variant of Uncertain Significance.

Ambry Genetics
Classification: Likely benign for Hereditary cancer-predisposing syndrome. Last evaluated: 2024-03-11. Review status: criteria provided, single submitter. Criteria: Ambry Variant Classification Scheme 2023. Collection method: clinical testing. Allele origin: germline.

NM_000057.4(BLM):c.4061G>A (p.Gly1354Asp)

Gene: BLM (BLM RecQ like helicase; plus strand). Cytogenetic location: 15q26.1.
Variant type: single nucleotide variant.
Coding change: c.4061G>A on transcript NM_000057.4 (MANE Select); coding-DNA position 4061, G replaced by A.
Protein change: p.Gly1354Asp; replaces glycine 1354 with aspartic acid.
Molecular consequence: missense variant.
Genome position (GRCh38, 1-based): chr15:90,811,391, G>A. VCF-style: chr15-90811391-G-A. GRCh37 (hg19) VCF-style: chr15-91354621-G-A.
Other names: c.4061G>A (NM_000057.2); c.4061G>A, p.Gly1354Asp (NM_001287246.2); c.3668G>A, p.Gly1223Asp (NM_001287247.2); c.2936G>A, p.Gly979Asp (NM_001287248.2); short protein forms G1223D, G1354D, G979D.
Identifiers: ClinVar variation 1504545 (VCV001504545.9), dbSNP rs891751726, ClinGen allele CA393851524.
Genomic context (GRCh38, chr15:90,811,391, plus strand): 5'-GGAAGAGGAAAAAGATGCCAGCCTCCCAAAGGTCTAAGAGGAGAAAAACTGCTTCCAGTG[G>A]TTCCAAGGCAAAGGGGTATGTTTTGTGACATCTTTTTCAATATAGGGAACAAGGGAAGAA-3'
Protein context (NP_000048.1, residues 1344-1364): RSKRRKTASS[Gly1354Asp]SKAKGGSATC